The following is an entry in ClinVar:

ClinVar aggregate classification (germline): Uncertain significance (1 of 4 stars; one submission).

Conditions:
Long QT syndrome 10 (LQT10). Identifiers: Orphanet 101016, Orphanet 768, MedGen C2678484, MONDO:0012737, OMIM 611819.

Allele frequency attached by ClinVar (database versions not stated): gnomAD 0.00002.
gnomAD v4.1: 4 of 1,614,038 alleles (0.00025%); highest among the groups gnomAD compares: African/African-American, 0.0027%; no homozygotes.

Submission:

Labcorp Genetics (formerly Invitae), Labcorp
Classification: Uncertain significance for Long QT syndrome 10. Last evaluated: 2023-07-03. Review status: criteria provided, single submitter. Criteria: Invitae Variant Classification Sherloc (09022015). Collection method: clinical testing. Allele origin: germline.
Comment: This sequence change replaces proline, which is neutral and non-polar, with arginine, which is basic and polar, at codon 216 of the SCN4B protein (p.Pro216Arg). In summary, the available evidence is currently insufficient to determine the role of this variant in disease. Therefore, it has been classified as a Variant of Uncertain Significance. An algorithm developed to predict the effect of missense changes on protein structure and function (PolyPhen-2) suggests that this variant is likely to be tolerated. This variant has not been reported in the literature in individuals affected with SCN4B-related conditions. This variant is not present in population databases (gnomAD no frequency).

NM_174934.4(SCN4B):c.647C>G (p.Pro216Arg)

Gene: SCN4B (sodium voltage-gated channel beta subunit 4; minus strand). Cytogenetic location: 11q23.3.
Variant type: single nucleotide variant.
Coding change: c.647C>G on transcript NM_174934.4 (MANE Select); coding-DNA position 647, C replaced by G.
Protein change: p.Pro216Arg; replaces proline 216 with arginine.
Molecular consequence: missense variant. On other transcripts: non-coding transcript variant (1).
Genome position (GRCh38, 1-based): chr11:118,137,067, G>C on the plus strand (C>G on the coding strand, the complement: SCN4B is on the minus strand). VCF-style: chr11-118137067-G-C. GRCh37 (hg19) VCF-style: chr11-118007782-G-C.
Other names: c.245C>G, p.Pro82Arg (NM_001142348.2); c.317C>G, p.Pro106Arg (NM_001142349.2); short protein forms P106R, P82R, P216R.
Identifiers: ClinVar variation 2882194 (VCV002882194.3), dbSNP rs1001219641, ClinGen allele CA229485038.